The following is an entry in ClinVar:

ClinVar aggregate classification (germline): Uncertain significance. Review status: criteria provided, multiple submitters, no conflicts (2 of 4 stars). 3 submissions from 3 submitters: Uncertain significance (3). Last evaluated 2024-05-11.

Conditions:
Age related macular degeneration 1 (ARMD1). Also called: MACULOPATHY, AGE-RELATED, 1. Identifiers: MedGen C1864205, MONDO:0011285, OMIM 603075.

Allele frequency attached by ClinVar (database versions not stated): gnomAD 0.00001; gnomAD exomes 0.00002 and 0.00004; TOPMed 0.00002; ExAC 0.00004; 1000 Genomes Project 30x 0.00016; 1000 Genomes Project 0.00020.
gnomAD v4.1: 26 of 1,611,392 alleles (0.0016%); highest among the groups gnomAD compares: South Asian, 0.025%; no homozygotes.

Submissions (3):

Labcorp Genetics (formerly Invitae), Labcorp
Classification: Uncertain significance. Last evaluated: 2024-05-11. Review status: criteria provided, single submitter. Criteria: Invitae Variant Classification Sherloc (09022015). Collection method: clinical testing. Allele origin: germline.
Comment: This sequence change replaces isoleucine, which is neutral and non-polar, with threonine, which is neutral and polar, at codon 2387 of the HMCN1 protein (p.Ile2387Thr). This variant is present in population databases (rs536019281, gnomAD 0.03%). This variant has not been reported in the literature in individuals affected with HMCN1-related conditions. ClinVar contains an entry for this variant (Variation ID: 1449491). Algorithms developed to predict the effect of missense changes on protein structure and function output the following: SIFT: "Not Available"; PolyPhen-2: "Benign"; Align-GVGD: "Not Available". The threonine amino acid residue is found in multiple mammalian species, which suggests that this missense change does not adversely affect protein function. In summary, the available evidence is currently insufficient to determine the role of this variant in disease. Therefore, it has been classified as a Variant of Uncertain Significance.

Genome-Nilou Lab
Classification: Uncertain significance for Age related macular degeneration 1. Last evaluated: 2023-04-11. Review status: criteria provided, single submitter. Criteria: ACMG Guidelines, 2015. Collection method: clinical testing. Allele origin: germline. Affected: no.

Ambry Genetics
Classification: Uncertain significance. Last evaluated: 2023-03-01. Review status: criteria provided, single submitter. Criteria: Ambry Variant Classification Scheme 2023. Collection method: clinical testing. Allele origin: germline.

NM_031935.3(HMCN1):c.7160T>C (p.Ile2387Thr)

Gene: HMCN1 (hemicentin 1; plus strand). Cytogenetic location: 1q31.1.
Variant type: single nucleotide variant.
Coding change: c.7160T>C on transcript NM_031935.3 (MANE Select); coding-DNA position 7160, T replaced by C.
Protein change: p.Ile2387Thr; replaces isoleucine 2387 with threonine.
Molecular consequence: missense variant.
Genome position (GRCh38, 1-based): chr1:186,057,249, T>C. VCF-style: chr1-186057249-T-C. GRCh37 (hg19) VCF-style: chr1-186026381-T-C.
Other names: c.7160T>C (NM_031935.2); short protein forms I2387T.
Identifiers: ClinVar variation 1449491 (VCV001449491.8), dbSNP rs536019281, ClinGen allele CA1292767.